The following is an entry in ClinVar:

ClinVar aggregate classification (germline): Pathogenic/Likely pathogenic. Review status: criteria provided, multiple submitters, no conflicts (2 of 4 stars). 2 submissions from 2 submitters: Pathogenic (1); Likely pathogenic (1). Last evaluated 2025-02-16.

Conditions:
Developmental and epileptic encephalopathy, 7 (DEE7). Also called: Early infantile epileptic encephalopathy 7; KCNQ2-Related Neonatal Epileptic Encephalopathy; KCNQ2-Related Neonatal-Onset Developmental and Epileptic Encephalopathy (NEO-DEE). Identifiers: Orphanet 439218, MedGen C3150986, MONDO:0013387, OMIM 613720.

Submissions (2):

3billion
Classification: Likely pathogenic for Developmental and epileptic encephalopathy, 7. Last evaluated: 2025-02-16. Review status: criteria provided, single submitter. Criteria: ACMG Guidelines, 2015. Collection method: clinical testing. Allele origin: germline. Affected: yes.
Comment: The variant is not observed in the gnomAD v4.1.0 dataset. Predicted Consequence/Location: Frameshift: predicted to result in a loss or disruption of normal protein function through protein truncation. The predicted truncated protein may be shortened by more than 10%. The variant has been reported to be associated with KCNQ2-related disorder (ClinVar ID: VCV001803046). Therefore, this variant is classified as Likely pathogenic according to the recommendation of ACMG/AMP guideline.

Diagnostic Genetics, Severance Hospital, Yonsei University College of Medicine
Classification: Pathogenic for Developmental and epileptic encephalopathy, 7. Last evaluated: 2022-02-03. Review status: criteria provided, single submitter. Criteria: ACMG Guidelines, 2015. Collection method: clinical testing. Allele origin: de novo. Affected: yes.

NM_172107.4(KCNQ2):c.2331dup (p.Glu778fs)

Gene: KCNQ2 (potassium voltage-gated channel subfamily Q member 2; minus strand). Cytogenetic location: 20q13.33.
Variant type: Duplication.
Coding change: c.2331dup on transcript NM_172107.4 (MANE Select); coding-DNA position 2331, one base duplicated (C; older notation c.2331dupC).
Protein change: p.Glu778fs; shifts the reading frame from glutamic acid 778.
Molecular consequence: frameshift variant.
Genome position (GRCh38, 1-based): chr20:63,406,932, G duplicated on the plus strand (C on the coding strand, the reverse complement: KCNQ2 is on the minus strand); the first of 6 consecutive G bases (chr20:63,406,932-63,406,937); duplicating any one gives the same sequence. VCF-style (leftmost placement, unchanged base first): chr20-63406931-C-CG. GRCh37 (hg19) VCF-style: chr20-62038284-C-CG.
Other names: c.2385dup, p.Glu796fs (NM_001382235.1); c.2247dup, p.Glu750fs (NM_004518.6); c.2277dup, p.Glu760fs (NM_172106.3); c.2238dup, p.Glu747fs (NM_172108.5); short protein forms E747fs, E750fs, E760fs, E778fs, E796fs.
Identifiers: ClinVar variation 1803046 (VCV001803046.2), dbSNP rs2516096143, ClinGen allele CA2580098408.